The following is an entry in ClinVar:

NM_018238.4(AGK):c.874G>A (p.Asp292Asn)

Gene: AGK (acylglycerol kinase; plus strand). Cytogenetic location: 7q34.
Variant type: single nucleotide variant.
Coding change: c.874G>A on transcript NM_018238.4 (MANE Select); coding-DNA position 874, G replaced by A.
Protein change: p.Asp292Asn; replaces aspartic acid 292 with asparagine.
Molecular consequence: missense variant.
Genome position (GRCh38, 1-based): chr7:141,641,395, G>A. VCF-style: chr7-141641395-G-A. GRCh37 (hg19) VCF-style: chr7-141341195-G-A.
Other names: c.874G>A, p.Asp292Asn (NM_001364948.3); short protein forms D292N.
Identifiers: ClinVar variation 2003580 (VCV002003580.1), dbSNP rs2485465958, ClinGen allele CA369539531.

ClinVar aggregate classification (germline): Uncertain significance (1 of 4 stars; one submission).

Conditions:
Cataract 38. Also called: Cataract, autosomal recessive congenital 5; Cataract 38, autosomal recessive. Identifiers: Orphanet 91492, MedGen C3553494, MONDO:0013859, OMIM 614691.
Sengers syndrome. Also called: MITOCHONDRIAL DNA DEPLETION SYNDROME 10 (CARDIOMYOPATHIC TYPE); Cardiomyopathy and cataract. Identifiers: Orphanet 1369, MedGen C1859317, MONDO:0008922, OMIM 212350.

Submission:

Labcorp Genetics (formerly Invitae), Labcorp
Classification: Uncertain significance for Sengers syndrome; Cataract 38. Last evaluated: 2022-07-09. Review status: criteria provided, single submitter. Criteria: Invitae Variant Classification Sherloc (09022015). Collection method: clinical testing. Allele origin: germline.
Comment: This sequence change replaces aspartic acid, which is acidic and polar, with asparagine, which is neutral and polar, at codon 292 of the AGK protein (p.Asp292Asn). This variant is not present in population databases (gnomAD no frequency). This variant has not been reported in the literature in individuals affected with AGK-related conditions. Algorithms developed to predict the effect of missense changes on protein structure and function (SIFT, PolyPhen-2, Align-GVGD) all suggest that this variant is likely to be tolerated. Algorithms developed to predict the effect of sequence changes on RNA splicing suggest that this variant may create or strengthen a splice site. In summary, the available evidence is currently insufficient to determine the role of this variant in disease. Therefore, it has been classified as a Variant of Uncertain Significance.